The following is an entry in ClinVar:

NM_000286.3(PEX12):c.295A>G (p.Lys99Glu)

Gene: PEX12 (peroxisomal biogenesis factor 12; minus strand). Cytogenetic location: 17q12.
Variant type: single nucleotide variant.
Coding change: c.295A>G on transcript NM_000286.3 (MANE Select); coding-DNA position 295, A replaced by G.
Protein change: p.Lys99Glu; replaces lysine 99 with glutamic acid.
Molecular consequence: missense variant.
Genome position (GRCh38, 1-based): chr17:35,577,423, T>C on the plus strand (A>G on the coding strand, the complement: PEX12 is on the minus strand). VCF-style: chr17-35577423-T-C. GRCh37 (hg19) VCF-style: chr17-33904442-T-C.
Other names: short protein forms K99E.
Identifiers: ClinVar variation 593496 (VCV000593496.8), dbSNP rs1003905752, ClinGen allele CA290069615.

ClinVar aggregate classification (germline): Uncertain significance. Review status: criteria provided, multiple submitters, no conflicts (2 of 4 stars). 2 submissions from 2 submitters: Uncertain significance (2). Last evaluated 2024-10-23.

Conditions:
Peroxisome biogenesis disorder 3A (Zellweger). Also called: PEROXISOMAL BIOGENESIS DISORDER 3A (ZELLWEGER); Peroxisome biogenesis disorder 3A. Identifiers: Orphanet 912, MedGen C3553929, MONDO:0013927, OMIM 614859.

Allele frequency attached by ClinVar (database versions not stated): gnomAD exomes 0.00001.
gnomAD v4.1: 10 of 1,614,160 alleles (0.00062%); highest among the groups gnomAD compares: Middle Eastern, 0.049%; no homozygotes.

Submissions (2):

Labcorp Genetics (formerly Invitae), Labcorp
Classification: Uncertain significance for Peroxisome biogenesis disorder 3A (Zellweger). Last evaluated: 2024-10-23. Review status: criteria provided, single submitter. Criteria: Invitae Variant Classification Sherloc (09022015). Collection method: clinical testing. Allele origin: germline.
Comment: This sequence change replaces lysine, which is basic and polar, with glutamic acid, which is acidic and polar, at codon 99 of the PEX12 protein (p.Lys99Glu). This variant is present in population databases (no rsID available, gnomAD 0.0009%). This variant has not been reported in the literature in individuals affected with PEX12-related conditions. ClinVar contains an entry for this variant (Variation ID: 593496). An algorithm developed to predict the effect of missense changes on protein structure and function (PolyPhen-2) suggests that this variant¬†is likely to be tolerated. In summary, the available evidence is currently insufficient to determine the role of this variant in disease. Therefore, it has been classified as a Variant of Uncertain Significance.

Eurofins Ntd Llc (ga)
Classification: Uncertain significance. Last evaluated: 2017-08-01. Review status: criteria provided, single submitter. Criteria: EGL Classification Definitions 2015. Collection method: clinical testing. Allele origin: germline. Observed: 1 variant allele, 1 heterozygote.